The following is an entry in ClinVar:

NM_000100.4(CSTB):c.269C>G (p.Ala90Gly)

Gene: CSTB (cystatin B; minus strand). Cytogenetic location: 21q22.3.
Variant type: single nucleotide variant.
Coding change: c.269C>G on transcript NM_000100.4 (MANE Select); coding-DNA position 269, C replaced by G.
Protein change: p.Ala90Gly; replaces alanine 90 with glycine.
Molecular consequence: missense variant.
Genome position (GRCh38, 1-based): chr21:43,774,230, G>C on the plus strand (C>G on the coding strand, the complement: CSTB is on the minus strand). VCF-style: chr21-43774230-G-C. GRCh37 (hg19) VCF-style: chr21-45194111-G-C.
Other names: short protein forms A90G.
Identifiers: ClinVar variation 840825 (VCV000840825.5), dbSNP rs138337167, ClinGen allele CA321725413.
Genomic context (GRCh38, chr21:43,774,230, plus strand): 5'-TTCTGGCTGAAGGGCCTTGTCCAAAGTCAGGATCAGAAATAGGTCAGCTCATCATGCTTG[G>C]CTTTGTTGGTCTGGTAGTTAGATAAGGTCAAGGGCTTGTTTTCATGAGGGAGAGATTGGA-3'
Protein context (NP_000091.1, residues 80-98): LTLSNYQTNK[Ala90Gly]KHDELTYF

ClinVar aggregate classification (germline): Uncertain significance (1 of 4 stars; one submission).

Conditions:
Progressive myoclonic epilepsy. Also called: Myoclonus epilepsy; Progressive myoclonus epilepsy; Familial progressive myoclonic epilepsy; Myoclonic Epilepsies, Progressive. Identifiers: Orphanet 308, Orphanet 98261, MedGen C0751778, MONDO:0020074.

Allele frequency attached by ClinVar (database versions not stated): gnomAD 0.00001 and 0.00002; gnomAD exomes 0.00002; TOPMed 0.00002; ESP Exome Variant Server 0.00008.
gnomAD v4.1: 29 of 1,614,126 alleles (0.0018%); highest among the groups gnomAD compares: African/African-American, 0.0027%; no homozygotes.

Submission:

Labcorp Genetics (formerly Invitae), Labcorp
Classification: Uncertain significance for Progressive myoclonic epilepsy. Last evaluated: 2024-01-15. Review status: criteria provided, single submitter. Criteria: Invitae Variant Classification Sherloc (09022015). Collection method: clinical testing. Allele origin: germline.
Comment: This sequence change replaces alanine, which is neutral and non-polar, with glycine, which is neutral and non-polar, at codon 90 of the CSTB protein (p.Ala90Gly). This variant is present in population databases (rs138337167, gnomAD 0.007%). This variant has not been reported in the literature in individuals affected with CSTB-related conditions. ClinVar contains an entry for this variant (Variation ID: 840825). Algorithms developed to predict the effect of missense changes on protein structure and function output the following: SIFT: "Not Available"; PolyPhen-2: "Benign"; Align-GVGD: "Not Available". The glycine amino acid residue is found in multiple mammalian species, which suggests that this missense change does not adversely affect protein function. Algorithms developed to predict the effect of sequence changes on RNA splicing suggest that this variant may create or strengthen a splice site. In summary, the available evidence is currently insufficient to determine the role of this variant in disease. Therefore, it has been classified as a Variant of Uncertain Significance.